The following is an entry in ClinVar:

NM_014425.5(INVS):c.166G>T (p.Val56Leu)

Gene: INVS (inversin; plus strand). Cytogenetic location: 9q31.1.
Variant type: single nucleotide variant.
Coding change: c.166G>T on transcript NM_014425.5 (MANE Select); coding-DNA position 166, G replaced by T.
Protein change: p.Val56Leu; replaces valine 56 with leucine.
Molecular consequence: missense variant. On other transcripts: 5 prime UTR variant (2), non-coding transcript variant (1).
Genome position (GRCh38, 1-based): chr9:100,126,442, G>T. VCF-style: chr9-100126442-G-T. GRCh37 (hg19) VCF-style: chr9-102888724-G-T.
Other names: c.-211G>T (NM_001318381.2); c.-824G>T (NM_001318382.2); short protein forms V56L.
Identifiers: ClinVar variation 4755091 (VCV004755091.1).

ClinVar aggregate classification (germline): Uncertain significance (1 of 4 stars; one submission).

Conditions:
Nephronophthisis. Also called: Juvenile Nephronophthisis. Identifiers: Orphanet 655, MedGen C0687120, MONDO:0019005, HP:0000090.

gnomAD v4.1: 3 of 1,614,060 alleles (0.00019%); highest among the groups gnomAD compares: Non-Finnish European, 0.00025%; no homozygotes.

Submission:

Labcorp Genetics (formerly Invitae), Labcorp
Classification: Uncertain significance for Nephronophthisis. Last evaluated: 2025-11-18. Review status: criteria provided, single submitter. Criteria: Invitae Variant Classification Sherloc (09022015). Collection method: clinical testing. Allele origin: germline.
Comment: This sequence change replaces valine, which is neutral and non-polar, with leucine, which is neutral and non-polar, at codon 56 of the INVS protein (p.Val56Leu). This variant is not present in population databases (gnomAD no frequency). This variant has not been reported in the literature in individuals affected with INVS-related conditions. An algorithm developed to predict the effect of missense changes on protein structure and function (PolyPhen-2) suggests that this variant is likely to be disruptive. In summary, the available evidence is currently insufficient to determine the role of this variant in disease. Therefore, it has been classified as a Variant of Uncertain Significance.